The following is an entry in ClinVar:

ClinVar aggregate classification (germline): Uncertain significance (1 of 4 stars; one submission).

Allele frequency attached by ClinVar (database versions not stated): gnomAD exomes below 0.00001.
gnomAD v4.1: 3 of 1,614,246 alleles (0.00019%); highest among the groups gnomAD compares: East Asian, 0.0067%; no homozygotes.

Submission:

GeneDx
Classification: Uncertain significance. Last evaluated: 2019-03-20. Review status: criteria provided, single submitter. Criteria: GeneDx Variant Classification Process June 2021. Collection method: clinical testing. Allele origin: germline. Affected: yes.
Comment: In silico analysis, which includes protein predictors and evolutionary conservation, supports a deleterious effect; Has not been previously published as pathogenic or benign to our knowledge; Not observed in large population cohorts (Lek et al., 2016)

NM_007118.4(TRIO):c.8369A>G (p.Asp2790Gly)

Gene: TRIO (trio Rho guanine nucleotide exchange factor; plus strand). Cytogenetic location: 5p15.2.
Variant type: single nucleotide variant.
Coding change: c.8369A>G on transcript NM_007118.4 (MANE Select); coding-DNA position 8369, A replaced by G.
Protein change: p.Asp2790Gly; replaces aspartic acid 2790 with glycine.
Molecular consequence: missense variant. On other transcripts: non-coding transcript variant (1).
Genome position (GRCh38, 1-based): chr5:14,502,615, A>G. VCF-style: chr5-14502615-A-G. GRCh37 (hg19) VCF-style: chr5-14502724-A-G.
Other names: short protein forms D2790G.
Identifiers: ClinVar variation 1302093 (VCV001302093.2), dbSNP rs1465615917, ClinGen allele CA359239762.
Genomic context (GRCh38, chr5:14,502,615, plus strand): 5'-AGGCAGGTGCTGTTCTTCTTGCAGGTCCAGGGATGGATGGGATCATGGTGACCTGGAAAG[A>G]CAACTTTGACTCCTTCTACAGTGAAGTGGCTGAGCTTGGCAGGTATGATGCACAACCCAG-3'
Protein context (NP_009049.2, residues 2780-2800): GMDGIMVTWK[Asp2790Gly]NFDSFYSEVA